The following is an entry in ClinVar:

NM_003793.4(CTSF):c.1137C>A (p.Asp379Glu)

Gene: CTSF (cathepsin F; minus strand). Cytogenetic location: 11q13.2.
Variant type: single nucleotide variant.
Coding change: c.1137C>A on transcript NM_003793.4 (MANE Select); coding-DNA position 1137, C replaced by A.
Protein change: p.Asp379Glu; replaces aspartic acid 379 with glutamic acid.
Molecular consequence: missense variant.
Genome position (GRCh38, 1-based): chr11:66,564,915, G>T on the plus strand (C>A on the coding strand, the complement: CTSF is on the minus strand). VCF-style: chr11-66564915-G-T. GRCh37 (hg19) VCF-style: chr11-66332386-G-T.
Other names: short protein forms D379E.
Identifiers: ClinVar variation 590083 (VCV000590083.5), dbSNP rs1565312058, ClinGen allele CA381457810.

ClinVar aggregate classification (germline): Uncertain significance (1 of 4 stars; one submission).

Conditions:
Inborn genetic diseases. Identifiers: MedGen C0950123, MeSH D030342.

Submission:

Ambry Genetics
Classification: Uncertain significance for Inborn genetic diseases. Last evaluated: 2017-03-13. Review status: criteria provided, single submitter. Criteria: Ambry Variant Classification Scheme 2023. Collection method: clinical testing. Allele origin: germline.
Comment: The p.D379E variant (also known as c.1137C>A), located in coding exon 9 of the CTSF gene, results from a C to A substitution at nucleotide position 1137. The aspartic acid at codon 379 is replaced by glutamic acid, an amino acid with highly similar properties. This amino acid position is not well conserved in available vertebrate species. In addition, this alteration is predicted to be tolerated by in silico analysis. Since supporting evidence is limited at this time, the clinical significance of this alteration remains unclear.